The following is an entry in ClinVar:

ClinVar aggregate classification (germline): Uncertain significance (1 of 4 stars; one submission).

Allele frequency attached by ClinVar (database versions not stated): gnomAD exomes 0.00003; gnomAD 0.00001; ExAC 0.00007; TOPMed 0.00007.
gnomAD v4.1: 32 of 1,557,482 alleles (0.0021%); highest among the groups gnomAD compares: East Asian, 0.033%; no homozygotes.

Submission:

Labcorp Genetics (formerly Invitae), Labcorp
Classification: Uncertain significance. Last evaluated: 2022-06-07. Review status: criteria provided, single submitter. Criteria: Invitae Variant Classification Sherloc (09022015). Collection method: clinical testing. Allele origin: germline.
Comment: This sequence change replaces threonine, which is neutral and polar, with lysine, which is basic and polar, at codon 79 of the GFER protein (p.Thr79Lys). The frequency data for this variant in the population databases is considered unreliable, as metrics indicate poor data quality at this position in the gnomAD database. This variant has not been reported in the literature in individuals affected with GFER-related conditions. Algorithms developed to predict the effect of missense changes on protein structure and function (SIFT, PolyPhen-2, Align-GVGD) all suggest that this variant is likely to be tolerated. In summary, the available evidence is currently insufficient to determine the role of this variant in disease. Therefore, it has been classified as a Variant of Uncertain Significance.

NM_005262.3(GFER):c.236C>A (p.Thr79Lys)

Genes: GFER (growth factor, augmenter of liver regeneration; plus strand), LOC130058203 (ATAC-STARR-seq lymphoblastoid silent region 7014; plus strand). Cytogenetic location: 16p13.3.
Variant type: single nucleotide variant.
Coding change: c.236C>A on transcript NM_005262.3 (MANE Select); coding-DNA position 236, C replaced by A.
Protein change: p.Thr79Lys; replaces threonine 79 with lysine.
Molecular consequence: missense variant.
Genome position (GRCh38, 1-based): chr16:1,984,454, C>A. VCF-style: chr16-1984454-C-A. GRCh37 (hg19) VCF-style: chr16-2034455-C-A.
Other names: short protein forms T79K.
Identifiers: ClinVar variation 1421377 (VCV001421377.3), dbSNP rs773323504, ClinGen allele CA7825981.